The following is an entry in ClinVar:

NM_001080414.4(CCDC88C):c.4728_4730del (p.Ser1576del)

Gene: CCDC88C (coiled-coil and HOOK domain protein 88C; minus strand). Cytogenetic location: 14q32.11.
Variant type: Deletion.
Coding change: c.4728_4730del on transcript NM_001080414.4 (MANE Select); coding-DNA positions 4728 to 4730, 3 bases deleted (TAG; older notation c.4728_4730delTAG).
Protein change: p.Ser1576del; deletes serine 1576.
Molecular consequence: inframe deletion. On other transcripts: non-coding transcript variant (2).
Genome position (GRCh38, 1-based): chr14:91,279,276-91,279,278, CTA deleted on the plus strand (TAG on the coding strand, the reverse complement: CCDC88C is on the minus strand); deleting any 3 consecutive bases within chr14:91,279,276-91,279,280 gives the same sequence; the c. name uses the placement nearest the transcript's 3' end. VCF-style (leftmost placement, unchanged base first): chr14-91279275-TCTA-T. GRCh37 (hg19) VCF-style: chr14-91745619-TCTA-T.
Other names: short protein forms S1576del.
Identifiers: ClinVar variation 5004035 (VCV005004035.1).

ClinVar aggregate classification (germline): Uncertain significance (1 of 4 stars; one submission).

Conditions:
Hydrocephalus, nonsyndromic, autosomal recessive 1 (HYC1). Also called: Congenital hydrocephalus 1; Hydrocephalus, nonsyndromic, autosomal recessive. Identifiers: Orphanet 2185, MedGen C3887608, MONDO:0009360, OMIM 236600.

Submission:

Myriad Genetics, Inc.
Classification: Uncertain significance for Hydrocephalus, nonsyndromic, autosomal recessive 1. Last evaluated: 2025-07-29. Review status: criteria provided, single submitter. Criteria: Myriad Autosomal Dominant, Autosomal Recessive and X-Linked Classification Criteria (2023). Collection method: clinical testing. Allele origin: unknown.
Comment: NM_001080414.3(CCDC88C):c.4728_4730delTAG(S1576del) is an in-frame deletion classified as a variant of uncertain significance in the context of congenital hydrocephalus, CCDC88C-related. S1576del has not been observed in cases with relevant disease. Relevant functional assessments of this variant are not available in the literature. S1576del has not been observed in referenced population frequency databases. In summary, there is insufficient evidence to classify NM_001080414.3(CCDC88C):c.4728_4730delTAG(S1576del) as pathogenic or benign. Please note: this variant was assessed in the context of healthy population screening.